The following is an entry in ClinVar:

NM_003060.4(SLC22A5):c.393+1G>A

Gene: SLC22A5 (solute carrier family 22 member 5; plus strand). Cytogenetic location: 5q31.1.
Variant type: single nucleotide variant.
Coding change: c.393+1G>A on transcript NM_003060.4 (MANE Select); the canonical splice donor site of the intron after coding-DNA position 393, G replaced by A.
Molecular consequence: splice donor variant.
Genome position (GRCh38, 1-based): chr5:132,370,366, G>A. VCF-style: chr5-132370366-G-A. GRCh37 (hg19) VCF-style: chr5-131706058-G-A.
Other names: c.393+1G>A (NM_001308122.2).
Identifiers: ClinVar variation 371182 (VCV000371182.17), dbSNP rs1057517069, ClinGen allele CA16040976.

ClinVar aggregate classification (germline): Pathogenic/Likely pathogenic. Review status: criteria provided, multiple submitters, no conflicts (2 of 4 stars). 4 submissions from 4 submitters: Pathogenic (2); Likely pathogenic (1). 1 of the submissions does not count toward it. Last evaluated 2024-05-22.

Conditions:
Renal carnitine transport defect (CDSP). Also called: Systemic primary carnitine deficiency disease; Systemic primary carnitine deficiency; CARNITINE DEFICIENCY, SYSTEMIC, DUE TO DEFECT IN RENAL REABSORPTION OF CARNITINE; CARNITINE TRANSPORTER, PLASMA-MEMBRANE, DEFICIENCY OF; CARNITINE UPTAKE DEFECT; Carnitine transporter deficiency. Identifiers: Orphanet 158, MedGen C0342788, MONDO:0008919, OMIM 212140.

Submissions (4):

Fulgent Genetics
Classification: Likely pathogenic for Renal carnitine transport defect. Last evaluated: 2024-05-22. Review status: criteria provided, single submitter. Criteria: ACMG Guidelines, 2015. Collection method: clinical testing. Allele origin: germline.

Genome-Nilou Lab
Classification: Pathogenic for Renal carnitine transport defect. Last evaluated: 2021-07-15. Review status: criteria provided, single submitter. Criteria: ACMG Guidelines, 2015. Collection method: clinical testing. Allele origin: germline. Affected: no.

Labcorp Genetics (formerly Invitae), Labcorp
Classification: Pathogenic for Renal carnitine transport defect. Last evaluated: 2019-05-28. Review status: criteria provided, single submitter. Criteria: Invitae Variant Classification Sherloc (09022015). Collection method: clinical testing. Allele origin: germline.
Comment: For these reasons, this variant has been classified as Pathogenic. Donor and acceptor splice site variants typically lead to a loss of protein function (PMID: 16199547), and loss-of-function variants in SLC22A5 are known to be pathogenic (PMID: 9916797). Algorithms developed to predict the effect of sequence changes on RNA splicing suggest that this variant may disrupt the consensus splice site, but this prediction has not been confirmed by published transcriptional studies. In at least one individual the data is consistent with the variant being in trans (on the opposite chromosome) from a pathogenic variant. ClinVar contains an entry for this variant (Variation ID: 371182). This variant is not present in population databases (ExAC no frequency). This sequence change affects a donor splice site in intron 1 of the SLC22A5 gene. It is expected to disrupt RNA splicing and likely results in an absent or disrupted protein product.

Counsyl
Classification: Likely pathogenic for Renal carnitine transport defect. Last evaluated: 2016-07-20. Review status: no assertion criteria provided. Collection method: clinical testing. Allele origin: unknown. Not counted in ClinVar's aggregate classification.

Literature cited by the submitters: PubMed 16199547 (cited by Labcorp Genetics (formerly Invitae), Labcorp); PubMed 9916797 (cited by Labcorp Genetics (formerly Invitae), Labcorp).